The following is an entry in ClinVar:

ClinVar aggregate classification (germline): Likely benign (1 of 4 stars; one submission).

gnomAD v4.1: 3,947 of 1,613,790 alleles (0.24%); highest among the groups gnomAD compares: East Asian, 0.86%; 66 homozygotes.

Submission:

CeGaT Center for Human Genetics Tuebingen
Classification: Likely benign. Last evaluated: 2026-04-01. Review status: criteria provided, single submitter. Criteria: CeGaT Center For Human Genetics Tuebingen Variant Classification Criteria Version 2. Collection method: clinical testing. Allele origin: germline. Affected: yes. Observed: 2 variant alleles.
Comment: HRNR: BS2

NM_001009931.3(HRNR):c.2668T>C (p.Ser890Pro)

Genes: CCDST (cervical cancer associated DHX9 suppressive transcript; plus strand), HRNR (hornerin; minus strand). Cytogenetic location: 1q21.3.
Variant type: single nucleotide variant.
Coding change: c.2668T>C on transcript NM_001009931.3 (MANE Select); coding-DNA position 2668, T replaced by C.
Protein change: p.Ser890Pro; replaces serine 890 with proline.
Molecular consequence: missense variant.
Genome position (GRCh38, 1-based): chr1:152,218,961, A>G on the plus strand (T>C on the coding strand, the complement: HRNR is on the minus strand). VCF-style: chr1-152218961-A-G. GRCh37 (hg19) VCF-style: chr1-152191437-A-G.
Other names: short protein forms S890P.
Identifiers: ClinVar variation 3388047 (VCV003388047.14).